The following is an entry in ClinVar:

NM_001276345.2(TNNT2):c.412-8C>T

Gene: TNNT2 (troponin T2, cardiac type; minus strand). Cytogenetic location: 1q32.1.
Variant type: single nucleotide variant.
Coding change: c.412-8C>T on transcript NM_001276345.2 (MANE Select); 8 bases into the intron before coding-DNA position 412, C replaced by T.
Molecular consequence: intron variant.
Genome position (GRCh38, 1-based): chr1:201,364,383, G>A on the plus strand (C>T on the coding strand, the complement: TNNT2 is on the minus strand). VCF-style: chr1-201364383-G-A. GRCh37 (hg19) VCF-style: chr1-201333511-G-A.
Other names: c.367-8C>T (NM_001001432.3); c.382-8C>T (NM_001001431.3, NM_001001430.3, NM_001276347.2); c.292-8C>T (NM_001276346.2); c.412-8C>T (NM_000364.4).
Identifiers: ClinVar variation 697700 (VCV000697700.11), dbSNP rs781240506, ClinGen allele CA089001.

ClinVar aggregate classification (germline): Likely benign. Review status: criteria provided, multiple submitters, no conflicts (2 of 4 stars). 3 submissions from 3 submitters: Likely benign (3). Last evaluated 2024-12-19.

Conditions:
Hypertrophic cardiomyopathy 2. Also called: TNNT2-Related Familial Hypertrophic Cardiomyopathy. Identifiers: MedGen C1861864, MONDO:0007266, OMIM 115195.
Dilated cardiomyopathy 1D. Identifiers: Orphanet 154, Orphanet 54260, MedGen C1832243, MONDO:0011095, OMIM 601494.
Cardiomyopathy, familial restrictive, 3. Identifiers: Orphanet 75249, MedGen C2676271, MONDO:0012900, OMIM 612422.
Cardiomyopathy (CMYO). Also called: Cardiomyopathies. Identifiers: Orphanet 167848, MedGen C0878544, MONDO:0004994, HP:0001638. Inheritance: Various modes of inheritance.

Allele frequency attached by ClinVar (database versions not stated): gnomAD exomes below 0.00001; ExAC 0.00001; gnomAD 0.00001; TOPMed 0.00001.
gnomAD v4.1: 2 of 1,611,838 alleles (0.00012%); highest among the groups gnomAD compares: Non-Finnish European, 0.00017%; no homozygotes.

Submissions (3):

Labcorp Genetics (formerly Invitae), Labcorp
Classification: Likely benign for Cardiomyopathy, familial restrictive, 3; Hypertrophic cardiomyopathy 2; Dilated cardiomyopathy 1D. Last evaluated: 2024-12-19. Review status: criteria provided, single submitter. Criteria: Invitae Variant Classification Sherloc (09022015). Collection method: clinical testing. Allele origin: germline.

All of Us Research Program, National Institutes of Health
Classification: Likely benign for Cardiomyopathy. Last evaluated: 2024-04-16. Review status: criteria provided, single submitter. Criteria: ACMG Guidelines, 2015. Collection method: clinical testing. Allele origin: germline. Inheritance: Autosomal dominant inheritance. Observed: 4 variant alleles, 4 heterozygotes.
Comment: This study involves interpretation of variants in research participants for the purpose of population health screening. Participant phenotype was not available at the time of variant classification. Additional details can be found in publication PMID: 35346344, PMCID: PMC8962531

Color Diagnostics, LLC DBA Color Health
Classification: Likely benign for Cardiomyopathy. Last evaluated: 2023-07-06. Review status: criteria provided, single submitter. Criteria: ACMG Guidelines, 2015. Collection method: clinical testing. Allele origin: germline.